The following is an entry in ClinVar:

ClinVar aggregate classification (germline): Pathogenic (1 of 4 stars; one submission).

Conditions:
Griscelli syndrome type 2 (GS2). Also called: GRISCELLI SYNDROME WITH HEMOPHAGOCYTIC SYNDROME; PAID SYNDROME; PARTIAL ALBINISM AND IMMUNODEFICIENCY SYNDROME. Identifiers: Orphanet 381, Orphanet 79477, MedGen C1868679, MONDO:0011872, OMIM 607624.

Submission:

Labcorp Genetics (formerly Invitae), Labcorp
Classification: Pathogenic for Griscelli syndrome type 2. Last evaluated: 2018-02-12. Review status: criteria provided, single submitter. Criteria: Invitae Variant Classification Sherloc (09022015). Collection method: clinical testing. Allele origin: germline.
Comment: This variant is a gross deletion of the genomic region encompassing exons 2-4 of the RAB27A gene, which includes the initiator codon. The 5' end of this event is unknown as it extends beyond the assayed region for this gene and therefore may encompass additional genes. The 3' boundary is likely confined to intron 4 of the RAB27A gene. This is expected to result in an absent or disrupted protein product. Deletion of exons 2-4 of RAB27A has been reported in the literature in an individual affected with hemophagocytic lymphohistiocytosis (PMID: 23160464). Loss-of-function variants in RAB27A are known to be pathogenic (PMID: 10835631, 23160464). For these reasons, this variant has been classified as Pathogenic.

Literature cited by the submitters: PubMed 23160464.

NC_000015.10:g.(?_55228589)_(55234954_?)del

Gene: RAB27A (RAB27A, member RAS oncogene family; minus strand). Cytogenetic location: 15q21.3.
Variant type: Deletion.
Identifiers: ClinVar variation 468590 (VCV000468590.1).